The following is an entry in ClinVar:

NM_002473.6(MYH9):c.4704G>C (p.Gln1568His)

Gene: MYH9 (myosin heavy chain 9; minus strand). Cytogenetic location: 22q12.3.
Variant type: single nucleotide variant.
Coding change: c.4704G>C on transcript NM_002473.6 (MANE Select); coding-DNA position 4704, G replaced by C.
Protein change: p.Gln1568His; replaces glutamine 1568 with histidine.
Molecular consequence: missense variant.
Genome position (GRCh38, 1-based): chr22:36,288,793, C>G on the plus strand (G>C on the coding strand, the complement: MYH9 is on the minus strand). VCF-style: chr22-36288793-C-G. GRCh37 (hg19) VCF-style: chr22-36684839-C-G.
Other names: short protein forms Q1568H.
Identifiers: ClinVar variation 2703982 (VCV002703982.3), dbSNP rs2517953741, ClinGen allele CA411377543.

ClinVar aggregate classification (germline): Uncertain significance (1 of 4 stars; one submission).

Submission:

Labcorp Genetics (formerly Invitae), Labcorp
Classification: Uncertain significance. Last evaluated: 2024-11-04. Review status: criteria provided, single submitter. Criteria: Invitae Variant Classification Sherloc (09022015). Collection method: clinical testing. Allele origin: germline.
Comment: This sequence change replaces glutamine, which is neutral and polar, with histidine, which is basic and polar, at codon 1568 of the MYH9 protein (p.Gln1568His). This variant is not present in population databases (gnomAD no frequency). This variant has not been reported in the literature in individuals affected with MYH9-related conditions. ClinVar contains an entry for this variant (Variation ID: 2703982). Invitae Evidence Modeling of protein sequence and biophysical properties (such as structural, functional, and spatial information, amino acid conservation, physicochemical variation, residue mobility, and thermodynamic stability) indicates that this missense variant is not expected to disrupt MYH9 protein function with a negative predictive value of 80%. In summary, the available evidence is currently insufficient to determine the role of this variant in disease. Therefore, it has been classified as a Variant of Uncertain Significance.